The following is an entry in ClinVar:

ClinVar aggregate classification (germline): Likely pathogenic (1 of 4 stars; one submission).

Conditions:
X-linked Alport syndrome (ATS1). Also called: NEPHROPATHY AND DEAFNESS, X-LINKED; COL4A5-Related Nephropathy. Identifiers: Orphanet 63, Orphanet 88917, MedGen C4746986, MONDO:0010520, OMIM 301050.

Submission:

Centre for Mendelian Genomics, University Medical Centre Ljubljana
Classification: Likely pathogenic for X-linked Alport syndrome. Last evaluated: 2016-01-01. Review status: criteria provided, single submitter. Criteria: ACMG Guidelines, 2015. Collection method: clinical testing. Allele origin: unknown. Affected: yes.
Comment: This variant was classified as: Likely pathogenic. This variant was detected in hemizygous state.

NM_033380.3(COL4A5):c.287G>T (p.Gly96Val)

Gene: COL4A5 (collagen type IV alpha 5 chain; plus strand). Cytogenetic location: Xq22.3.
Variant type: single nucleotide variant.
Coding change: c.287G>T on transcript NM_033380.3 (MANE Select); coding-DNA position 287, G replaced by T.
Protein change: p.Gly96Val; replaces glycine 96 with valine.
Molecular consequence: missense variant.
Genome position (GRCh38, 1-based): chrX:108,568,639, G>T. VCF-style: chrX-108568639-G-T. GRCh37 (hg19) VCF-style: chrX-107811869-G-T.
Other names: c.287G>T, p.Gly96Val (NM_000495.5); short protein forms G96V.
Identifiers: ClinVar variation 930480 (VCV000930480.3), dbSNP rs2066011284, ClinGen allele CA413917770.